The following is an entry in ClinVar:

NM_000642.3(AGL):c.1119G>T (p.Trp373Cys)

Gene: AGL (amylo-alpha-1,6-glucosidase and 4-alpha-glucanotransferase; plus strand). Cytogenetic location: 1p21.2.
Variant type: single nucleotide variant.
Coding change: c.1119G>T on transcript NM_000642.3 (MANE Select); coding-DNA position 1119, G replaced by T.
Protein change: p.Trp373Cys; replaces tryptophan 373 with cysteine.
Molecular consequence: missense variant.
Genome position (GRCh38, 1-based): chr1:99,875,190, G>T. VCF-style: chr1-99875190-G-T. GRCh37 (hg19) VCF-style: chr1-100340746-G-T.
Other names: c.1119G>T, p.Trp373Cys (NM_000028.3, NM_000643.3, NM_000644.3 and 2 more transcripts); c.1071G>T, p.Trp357Cys (NM_000646.3); c.915G>T, p.Trp305Cys (NM_001425328.1, NM_001425329.1); c.741G>T, p.Trp247Cys (NM_001425332.1); short protein forms W357C, W373C, W247C, W305C.
Identifiers: ClinVar variation 2156285 (VCV002156285.4), dbSNP rs182159073, ClinGen allele CA966398.

ClinVar aggregate classification (germline): Uncertain significance (1 of 4 stars; one submission).

Conditions:
Glycogen storage disease type III (GSD3). Also called: FORBES DISEASE; Cori disease. Identifiers: Orphanet 366, MedGen C0017922, MONDO:0009291, OMIM 232400.

Allele frequency attached by ClinVar (database versions not stated): gnomAD 0.00001; 1000 Genomes Project 0.00020; TOPMed below 0.00001; ExAC 0.00001; 1000 Genomes Project 30x 0.00031.
gnomAD v4.1: 5 of 1,614,136 alleles (0.00031%); highest among the groups gnomAD compares: Admixed American, 0.0083%; no homozygotes.

Submission:

Labcorp Genetics (formerly Invitae), Labcorp
Classification: Uncertain significance for Glycogen storage disease type III. Last evaluated: 2025-12-08. Review status: criteria provided, single submitter. Criteria: Invitae Variant Classification Sherloc (09022015). Collection method: clinical testing. Allele origin: germline.
Comment: This sequence change replaces tryptophan, which is neutral and slightly polar, with cysteine, which is neutral and slightly polar, at codon 373 of the AGL protein (p.Trp373Cys). This variant is not present in population databases (gnomAD no frequency). This variant has not been reported in the literature in individuals affected with AGL-related conditions. ClinVar contains an entry for this variant (Variation ID: 2156285). Invitae Evidence Modeling of protein sequence and biophysical properties (such as structural, functional, and spatial information, amino acid conservation, physicochemical variation, residue mobility, and thermodynamic stability) indicates that this missense variant is not expected to disrupt AGL protein function with a negative predictive value of 80%. In summary, the available evidence is currently insufficient to determine the role of this variant in disease. Therefore, it has been classified as a Variant of Uncertain Significance.